The following is an entry in ClinVar:

ClinVar aggregate classification (germline): Pathogenic. Review status: reviewed by expert panel (3 of 4 stars). 8 submissions from 8 submitters: Pathogenic (1). 7 of the submissions do not count toward it. Last evaluated 2016-09-08.

Conditions:
Hereditary breast ovarian cancer syndrome. Also called: Breast and ovarian cancer; Hereditary breast and ovarian cancer; Hereditary breast and ovarian cancer syndrome; BRCA1- and BRCA2-Associated Hereditary Breast and Ovarian Cancer; Hereditary breast and ovarian cancer syndrome (HBOC); Hereditary breast and/or ovarian cancer syndrome. Identifiers: Orphanet 145, MedGen C0677776, MeSH D061325, MONDO:0003582. Disease mechanism: loss of function.
Hereditary cancer-predisposing syndrome. Also called: Tumor predisposition; Hereditary Cancer Syndrome; Neoplastic Syndromes, Hereditary; Hereditary neoplastic syndrome. Identifiers: Orphanet 140162, MedGen C0027672, MeSH D009386, MONDO:0015356.
Breast-ovarian cancer, familial, susceptibility to, 2 (BROVCA2). Also called: BRCA2 Hereditary Breast and Ovarian Cancer. Identifiers: Orphanet 145, MedGen C2675520, MONDO:0012933, OMIM 612555. Disease mechanism: loss of function.

Submissions (8):

Evidence-based Network for the Interpretation of Germline Mutant Alleles (ENIGMA)
Classification: Pathogenic for Breast-ovarian cancer, familial, susceptibility to, 2. Last evaluated: 2016-09-08. Review status: reviewed by expert panel. Criteria: ENIGMA BRCA1/2 Classification Criteria (2015). Collection method: curation. Allele origin: germline.
Comment: Variant allele predicted to encode a truncated non-functional protein.

Women's Health and Genetics/Laboratory Corporation of America, LabCorp
Classification: Pathogenic for Hereditary breast ovarian cancer syndrome. Last evaluated: 2025-12-14. Review status: criteria provided, single submitter. Criteria: LabCorp Variant Classification Summary - May 2015. Collection method: clinical testing. Allele origin: germline. Not counted in ClinVar's aggregate classification.
Comment: Variant summary: BRCA2 c.6392_6396delAATTA (p.Lys2131IlefsX3) results in a premature termination codon, predicted to cause a truncation of the encoded protein or absence of the protein due to nonsense mediated decay, which are commonly known mechanisms for disease. The variant was absent in 242050 control chromosomes. c.6392_6396delAATTA has been observed in individual(s) affected with Hereditary Breast And Ovarian Cancer Syndrome (example: Grzymski_2020). The following publication has been ascertained in the context of this evaluation (PMID: 32719484). ClinVar contains an entry for this variant (Variation ID: 91447). Based on the evidence outlined above, the variant was classified as pathogenic.

Labcorp Genetics (formerly Invitae), Labcorp
Classification: Pathogenic for Hereditary breast ovarian cancer syndrome. Last evaluated: 2025-07-30. Review status: criteria provided, single submitter. Criteria: Invitae Variant Classification Sherloc (09022015). Collection method: clinical testing. Allele origin: germline. Not counted in ClinVar's aggregate classification.
Comment: This sequence change creates a premature translational stop signal (p.Lys2131Ilefs*3) in the BRCA2 gene. It is expected to result in an absent or disrupted protein product. Loss-of-function variants in BRCA2 are known to be pathogenic (PMID: 20104584). This variant is not present in population databases (gnomAD no frequency). This premature translational stop signal has been observed in individual(s) with ovarian cancer (PMID: 26023681). This variant is also known as 6620del5, p.K2131fs. ClinVar contains an entry for this variant (Variation ID: 91447). For these reasons, this variant has been classified as Pathogenic.

Ambry Genetics
Classification: Pathogenic for Hereditary cancer-predisposing syndrome. Last evaluated: 2025-03-12. Review status: criteria provided, single submitter. Criteria: Ambry Variant Classification Scheme 2023. Collection method: clinical testing. Allele origin: germline. Not counted in ClinVar's aggregate classification.
Comment: The c.6392_6396delAATTA pathogenic mutation, located in coding exon 10 of the BRCA2 gene, results from a deletion of 5 nucleotides at nucleotide positions 6392 to 6396, causing a translational frameshift with a predicted alternate stop codon (p.K2131Ifs*3). This alteration has been previously identified in an individual with ovarian cancer (Foley SB et al. EBioMedicine. 2015 Jan;2:74-81). This variant is considered to be rare based on population cohorts in the Genome Aggregation Database (gnomAD). In addition to the clinical data presented in the literature, this alteration is expected to result in loss of function by premature protein truncation or nonsense-mediated mRNA decay. As such, this alteration is interpreted as a disease-causing mutation.

Color Diagnostics, LLC DBA Color Health
Classification: Pathogenic for Hereditary cancer-predisposing syndrome. Last evaluated: 2022-02-24. Review status: criteria provided, single submitter. Criteria: ACMG Guidelines, 2015. Collection method: clinical testing. Allele origin: germline. Not counted in ClinVar's aggregate classification.
Comment: This variant deletes 5 nucleotides in exon 11 of the BRCA2 gene, creating a frameshift and premature translation stop signal. This variant is expected to result in an absent or non-functional protein product. This variant has been reported in 1 individual affected with ovarian cancer (PMID: 26023681) and has been identified in 3 families among the CIMBA participants (PMID: 29446198). This variant has not been identified in the general population by the Genome Aggregation Database (gnomAD). Loss of BRCA2 function is a known mechanism of disease. Based on the available evidence, this variant is classified as Pathogenic.

GeneDx
Classification: Pathogenic. Last evaluated: 2020-12-10. Review status: criteria provided, single submitter. Criteria: GeneDx Variant Classification Process June 2021. Collection method: clinical testing. Allele origin: germline. Affected: yes. Not counted in ClinVar's aggregate classification.
Comment: Frameshift variant predicted to result in protein truncation or nonsense mediated decay in a gene for which loss-of-function is a known mechanism of disease; Truncating variants in this gene are considered pathogenic by a well-established clinical consortium and/or database; Not observed in large population cohorts (Lek 2016); Observed in individuals with breast cancer (Foley 2015); Also known as 6620_6624delAATTA; This variant is associated with the following publications: (PMID: 26023681, 32719484)

Consortium of Investigators of Modifiers of BRCA1/2 (CIMBA), c/o University of Cambridge
Classification: Pathogenic for Breast-ovarian cancer, familial, susceptibility to, 2. Last evaluated: 2015-10-02. Review status: criteria provided, single submitter. Criteria: CIMBA Mutation Classification guidelines May 2016. Collection method: clinical testing. Allele origin: germline. Not counted in ClinVar's aggregate classification.

Sharing Clinical Reports Project (SCRP)
Classification: Pathogenic for Breast-ovarian cancer, familial 2. Last evaluated: 2011-07-20. Review status: no assertion criteria provided. Collection method: clinical testing. Allele origin: germline. Not counted in ClinVar's aggregate classification.

Literature cited by the submitters: PubMed 32719484 (cited by Women's Health and Genetics/Laboratory Corporation of America, LabCorp); PubMed 20104584 (cited by Labcorp Genetics (formerly Invitae), Labcorp); PubMed 26023681 (cited by 3 submitters); PubMed 29446198 (cited by Color Diagnostics, LLC DBA Color Health).

NM_000059.4(BRCA2):c.6392_6396del (p.Lys2131fs)

Gene: BRCA2 (BRCA2 DNA repair associated; plus strand). Cytogenetic location: 13q13.1.
Variant type: Deletion.
Coding change: c.6392_6396del on transcript NM_000059.4 (MANE Select); coding-DNA positions 6392 to 6396, 5 bases deleted (AATTA; older notation c.6392_6396delAATTA).
Protein change: p.Lys2131fs; shifts the reading frame from lysine 2131.
Molecular consequence: frameshift variant.
Genome position (GRCh38, 1-based): chr13:32,340,747-32,340,751, AATTA deleted; deleting any 5 consecutive bases within chr13:32,340,744-32,340,751 gives the same sequence; the c. name uses the placement nearest the transcript's 3' end. VCF-style (leftmost placement, unchanged base first): chr13-32340743-TTTAAA-T. GRCh37 (hg19) VCF-style: chr13-32914880-TTTAAA-T.
Other names: 6620del5; c.6392_6396delAATTA (NM_000059.3).
Identifiers: ClinVar variation 91447 (VCV000091447.26), dbSNP rs398122555, ClinGen allele CA023976.